The following is an entry in ClinVar:

ClinVar aggregate classification (germline): Uncertain significance (1 of 4 stars; one submission).

Conditions:
Progressive familial heart block type IB (PFHB1B). Identifiers: Orphanet 871, MedGen C1970298, MONDO:0011474, OMIM 604559.

gnomAD v4.1: 1 of 1,611,372 alleles (0.000062%); highest among the groups gnomAD compares: Non-Finnish European, 0.000085%; no homozygotes.

Submission:

Labcorp Genetics (formerly Invitae), Labcorp
Classification: Uncertain significance for Progressive familial heart block type IB. Last evaluated: 2025-06-27. Review status: criteria provided, single submitter. Criteria: Invitae Variant Classification Sherloc (09022015). Collection method: clinical testing. Allele origin: germline.
Comment: This sequence change affects an acceptor splice site in intron 9 of the TRPM4 gene. It is expected to disrupt RNA splicing. Variants that disrupt the donor or acceptor splice site typically lead to a loss of protein function (PMID: 16199547), however the current clinical and genetic evidence is not sufficient to establish whether loss-of-function variants in TRPM4 cause disease. This variant is not present in population databases (gnomAD no frequency). This variant has not been reported in the literature in individuals affected with TRPM4-related conditions. Algorithms developed to predict the effect of sequence changes on RNA splicing suggest that this variant may disrupt the consensus splice site. In summary, the available evidence is currently insufficient to determine the role of this variant in disease. Therefore, it has been classified as a Variant of Uncertain Significance.

Literature cited by the submitters: PubMed 16199547.

NM_017636.4(TRPM4):c.1151-2A>G

Gene: TRPM4 (transient receptor potential cation channel subfamily M member 4; plus strand). Cytogenetic location: 19q13.33.
Variant type: single nucleotide variant.
Coding change: c.1151-2A>G on transcript NM_017636.4 (MANE Select); the canonical splice acceptor site of the intron before coding-DNA position 1151, A replaced by G.
Molecular consequence: splice acceptor variant. On other transcripts: intron variant (1).
Genome position (GRCh38, 1-based): chr19:49,181,347, A>G. VCF-style: chr19-49181347-A-G. GRCh37 (hg19) VCF-style: chr19-49684604-A-G.
Other names: c.1151-2A>G (NM_001195227.2); c.-403-2A>G (NM_001321282.2); c.806-2A>G (NM_001321281.2); c.629-2A>G (NM_001321283.2); c.202-1231A>G (NM_001321285.2).
Identifiers: ClinVar variation 4711760 (VCV004711760.1).